The following is an entry in ClinVar:

NM_000388.4(CASR):c.254C>T (p.Pro85Leu)

Gene: CASR (calcium sensing receptor; plus strand). Cytogenetic location: 3q21.1.
Variant type: single nucleotide variant.
Coding change: c.254C>T on transcript NM_000388.4 (MANE Select); coding-DNA position 254, C replaced by T.
Protein change: p.Pro85Leu; replaces proline 85 with leucine.
Molecular consequence: missense variant.
Genome position (GRCh38, 1-based): chr3:122,257,149, C>T. VCF-style: chr3-122257149-C-T. GRCh37 (hg19) VCF-style: chr3-121975996-C-T.
Other names: p.Pro85Leu; c.254C>T, p.Pro85Leu (NM_001178065.2); short protein forms P85L.
Identifiers: ClinVar variation 3028919 (VCV003028919.2), dbSNP rs2473214213, ClinGen allele CA354362500.

ClinVar aggregate classification (germline): Uncertain significance. Review status: criteria provided, single submitter (1 of 4 stars). 2 submissions from 2 submitters: Uncertain significance (1). 1 of the submissions does not count toward it. Last evaluated 2025-03-18.

Conditions:
Familial hypocalciuric hypercalcemia 1. Also called: Hypercalcemia, familial benign type 1. Identifiers: Orphanet 405, Orphanet 93372, MedGen C0342637, MONDO:0007791, OMIM 145980.

Submissions (2):

Mayo Clinic Laboratories, Mayo Clinic
Classification: Uncertain significance. Last evaluated: 2025-03-18. Review status: criteria provided, single submitter. Criteria: ACMG Guidelines, 2015. Collection method: clinical testing. Allele origin: germline. Observed: 1 variant allele.
Comment: PP2, PM2_supporting, PS4_supporting

Molecular Genetics Laboratory, Biobizkaia Health Research Institute
Classification: Likely pathogenic for Familial hypocalciuric hypercalcemia 1. Last evaluated: 2024-03-08. Review status: no assertion criteria provided. Collection method: clinical testing. Allele origin: maternal. Affected: yes. Not counted in ClinVar's aggregate classification.

Literature cited by the submitters: PubMed 38586466 (cited by Mayo Clinic Laboratories, Mayo Clinic).